The following is an entry in ClinVar:

ClinVar aggregate classification (germline): Likely benign. Review status: criteria provided, single submitter (1 of 4 stars). 2 submissions from 2 submitters: Likely benign (1). 1 of the submissions does not count toward it. Last evaluated 2025-12-16.

Conditions:
RNF213-related disorder. Also called: RNF213-related condition.

Allele frequency attached by ClinVar (database versions not stated): TOPMed 0.00026; 1000 Genomes Project 30x 0.00031; 1000 Genomes Project 0.00040.
gnomAD v4.1: 505 of 1,614,014 alleles (0.031%); highest among the groups gnomAD compares: Admixed American, 0.06%; no homozygotes.

Submissions (2):

Labcorp Genetics (formerly Invitae), Labcorp
Classification: Likely benign. Last evaluated: 2025-12-16. Review status: criteria provided, single submitter. Criteria: Invitae Variant Classification Sherloc (09022015). Collection method: clinical testing. Allele origin: germline.

PreventionGenetics, part of Exact Sciences
Classification: Likely benign for RNF213-related condition. Last evaluated: 2019-09-17. Review status: no assertion criteria provided. Collection method: clinical testing. Allele origin: germline. Not counted in ClinVar's aggregate classification.
Comment: This variant is classified as likely benign based on ACMG/AMP sequence variant interpretation guidelines (Richards et al. 2015 PMID: 25741868, with internal and published modifications).

NM_001256071.3(RNF213):c.12807G>C (p.Arg4269=)

Genes: RNF213 (ring finger protein 213; plus strand), RNF213-AS1 (RNF213 antisense RNA 1; minus strand). Cytogenetic location: 17q25.3.
Variant type: single nucleotide variant.
Coding change: c.12807G>C on transcript NM_001256071.3 (MANE Select); coding-DNA position 12807, G replaced by C.
Protein change: p.Arg4269=; no amino-acid change (arginine 4269 retained).
Molecular consequence: synonymous variant.
Genome position (GRCh38, 1-based): chr17:80,373,030, G>C. VCF-style: chr17-80373030-G-C. GRCh37 (hg19) VCF-style: chr17-78346830-G-C.
Identifiers: ClinVar variation 721871 (VCV000721871.9), dbSNP rs116948489, ClinGen allele CA8822307.